The following is an entry in ClinVar:

Conditions:
Long QT syndrome 5 (LQT5). Identifiers: Orphanet 101016, Orphanet 768, MedGen C1867904, MONDO:0013372, OMIM 613695.

Submission:

Roden Lab, Vanderbilt University Medical Center
No classification provided (evidence only). Condition: Long QT syndrome 5. Review status: no classification provided. Collection method: in vitro. Allele origin: not applicable. Functional consequence: Effect on ion channel function.
ClinVar note: "not provided" was previously submitted as the classification for the variant. However, the classification appeared to be based only on an observation of functional data so it was converted to no classification on 2025-07-30.

NM_000219.6(KCNE1):c.351A>G (p.Gln117=)

Gene: KCNE1 (potassium voltage-gated channel subfamily E regulatory subunit 1; minus strand). Cytogenetic location: 21q22.12.
Variant type: single nucleotide variant.
Coding change: c.351A>G on transcript NM_000219.6 (MANE Select); coding-DNA position 351, A replaced by G.
Protein change: p.Gln117=; no amino-acid change (glutamine 117 retained).
Molecular consequence: synonymous variant.
Genome position (GRCh38, 1-based): chr21:34,449,284, T>C on the plus strand (A>G on the coding strand, the complement: KCNE1 is on the minus strand). VCF-style: chr21-34449284-T-C. GRCh37 (hg19) VCF-style: chr21-35821582-T-C.
Other names: c.351A>G, p.Gln117= (NM_001127668.4, NM_001127669.4, NM_001127670.4 and 4 more transcripts).
Identifiers: ClinVar variation 3373793 (VCV003373793.2).